The following is an entry in ClinVar:

ClinVar aggregate classification (germline): Conflicting classifications of pathogenicity. Review status: criteria provided, conflicting classifications (1 of 4 stars). 6 submissions from 6 submitters: Uncertain significance (3); Likely benign (3). Last evaluated 2026-01-18.

Conditions:
Inborn genetic diseases. Identifiers: MedGen C0950123, MeSH D030342.
Autosomal recessive nonsyndromic hearing loss 3. Also called: NEUROSENSORY NONSYNDROMIC RECESSIVE DEAFNESS 3. Identifiers: Orphanet 90636, MedGen C1838263, MONDO:0010860, OMIM 600316.

Allele frequency attached by ClinVar (database versions not stated): ESP Exome Variant Server 0.00016; ExAC 0.00021; TOPMed 0.00022.

Submissions (6):

Labcorp Genetics (formerly Invitae), Labcorp
Classification: Likely benign. Last evaluated: 2026-01-18. Review status: criteria provided, single submitter. Criteria: Invitae Variant Classification Sherloc (09022015). Collection method: clinical testing. Allele origin: germline.

GeneDx
Classification: Uncertain significance. Last evaluated: 2024-05-14. Review status: criteria provided, single submitter. Criteria: GeneDx Variant Classification Process June 2021. Collection method: clinical testing. Allele origin: germline. Affected: yes.
Comment: In silico analysis indicates that this missense variant does not alter protein structure/function; Has not been previously published as pathogenic or benign to our knowledge

Ambry Genetics
Classification: Uncertain significance for Inborn genetic diseases. Last evaluated: 2023-11-21. Review status: criteria provided, single submitter. Criteria: Ambry Variant Classification Scheme 2023. Collection method: clinical testing. Allele origin: germline.

CeGaT Center for Human Genetics Tuebingen
Classification: Likely benign. Last evaluated: 2022-10-01. Review status: criteria provided, single submitter. Criteria: CeGaT Center For Human Genetics Tuebingen Variant Classification Criteria Version 2. Collection method: clinical testing. Allele origin: germline. Affected: yes. Observed: 1 variant allele.
Comment: MYO15A: BP4

Illumina Laboratory Services, Illumina
Classification: Uncertain significance for Autosomal recessive nonsyndromic hearing loss 3. Last evaluated: 2018-01-12. Review status: criteria provided, single submitter. Criteria: ICSL Variant Classification Criteria 13 December 2019. Collection method: clinical testing. Allele origin: germline.

Laboratory for Molecular Medicine, Mass General Brigham Personalized Medicine
Classification: Likely benign. Last evaluated: 2016-06-30. Review status: criteria provided, single submitter. Criteria: LMM Criteria. Collection method: clinical testing. Allele origin: germline. Observed: 2 variant alleles.
Comment: p.Thr2654Ser in exon 42 of MYO15A: This variant is not expected to have clinical significance due to a lack of conservation across species, including mammals. O f note, 3 mammals (black flying fox, megabat, and tenrec) have a serine (Ser) at this position despite high nearby amino acid conservation. In addition, computa tional prediction tools do not suggest a high likelihood of impact to the protei n. It has been identified in 4/7854 of European chromosomes by the Exome Aggrega tion Consortium (ExAC; dbSNP rs20035561).

NM_016239.4(MYO15A):c.7961C>G (p.Thr2654Ser)

Gene: MYO15A (myosin XVA; plus strand). Cytogenetic location: 17p11.2.
Variant type: single nucleotide variant.
Coding change: c.7961C>G on transcript NM_016239.4 (MANE Select); coding-DNA position 7961, C replaced by G.
Protein change: p.Thr2654Ser; replaces threonine 2654 with serine.
Molecular consequence: missense variant.
Genome position (GRCh38, 1-based): chr17:18,152,179, C>G. VCF-style: chr17-18152179-C-G. GRCh37 (hg19) VCF-style: chr17-18055493-C-G.
Other names: short protein forms T2654S.
Identifiers: ClinVar variation 45763 (VCV000045763.43), dbSNP rs200355614, ClinGen allele CA137014.